The following is an entry in ClinVar:

ClinVar aggregate classification (germline): Likely benign. Review status: criteria provided, multiple submitters, no conflicts (2 of 4 stars). 2 submissions from 2 submitters: Likely benign (2). Last evaluated 2025-01-30.

Conditions:
Dilated cardiomyopathy 1DD (CMD1DD). Identifiers: Orphanet 154, MedGen C2750995, MONDO:0013168, OMIM 613172.

Allele frequency attached by ClinVar (database versions not stated): TOPMed 0.00003; gnomAD 0.00004 and 0.00005; gnomAD exomes 0.00004; ExAC 0.00027; 1000 Genomes Project 30x 0.00031; 1000 Genomes Project 0.00040.
gnomAD v4.1: 15 of 1,526,078 alleles (0.00098%); highest among the groups gnomAD compares: African/African-American, 0.021%; no homozygotes.

Submissions (2):

Labcorp Genetics (formerly Invitae), Labcorp
Classification: Likely benign for Dilated cardiomyopathy 1DD. Last evaluated: 2025-01-30. Review status: criteria provided, single submitter. Criteria: Invitae Variant Classification Sherloc (09022015). Collection method: clinical testing. Allele origin: germline.

GeneDx
Classification: Likely benign. Last evaluated: 2017-07-14. Review status: criteria provided, single submitter. Criteria: GeneDx Variant Classification (06012015). Collection method: clinical testing. Allele origin: germline. Affected: yes.
Comment: This variant is considered likely benign or benign based on one or more of the following criteria: it is a conservative change, it occurs at a poorly conserved position in the protein, it is predicted to be benign by multiple in silico algorithms, and/or has population frequency not consistent with disease.

NM_001134363.3(RBM20):c.1881-19C>T

Gene: RBM20 (RNA binding motif protein 20; plus strand). Cytogenetic location: 10q25.2.
Variant type: single nucleotide variant.
Coding change: c.1881-19C>T on transcript NM_001134363.3 (MANE Select); 19 bases into the intron before coding-DNA position 1881, C replaced by T.
Molecular consequence: intron variant.
Genome position (GRCh38, 1-based): chr10:110,812,259, C>T. VCF-style: chr10-110812259-C-T. GRCh37 (hg19) VCF-style: chr10-112572017-C-T.
Other names: c.1881-19C>T (LRG_382t1).
Identifiers: ClinVar variation 510824 (VCV000510824.9), dbSNP rs574049321, ClinGen allele CA5688646.
Genomic context (GRCh38, chr10:110,812,259, plus strand): 5'-GAGACTGTGTGTCTGTGTGTGGGTGGGGTGGGATGGGAGGTGTGAAGATTCTAAATCCTG[C>T]TCCTTGGCTCCCTCACAGATATGGCCCAGAAAGGCCGCGGTCTCGTAGTCCGGTGAGCCG-3'